The following is an entry in ClinVar:

NM_000260.4(MYO7A):c.1135_1147dup (p.Ser383fs)

Gene: MYO7A (myosin VIIA; plus strand). Cytogenetic location: 11q13.5.
Variant type: Duplication.
Coding change: c.1135_1147dup on transcript NM_000260.4 (MANE Select); coding-DNA positions 1135 to 1147, 13 bases duplicated (GGGGAGACGGTGT).
Protein change: p.Ser383fs; shifts the reading frame from serine 383.
Molecular consequence: frameshift variant.
Genome position (GRCh38, 1-based): chr11:77,160,217-77,160,229, GGGGAGACGGTGT duplicated. VCF-style (leftmost placement, unchanged base first): chr11-77160216-C-CGGGGAGACGGTGT. GRCh37 (hg19) VCF-style: chr11-76871262-C-CGGGGAGACGGTGT.
Other names: c.1135_1147dup, p.Ser383fs (NM_001127180.2); c.1102_1114dup, p.Ser372fs (NM_001369365.1); short protein forms S372fs, S383fs.
Identifiers: ClinVar variation 2642177 (VCV002642177.24), dbSNP rs2496826322, ClinGen allele CA2695198938.
Genomic context (GRCh38, chr11:77,160,216, plus strand): 5'-GTACCAGGTGAACCCCCCAGACCTGATGAGCTGCCTGACTAGCCGCACCCTCATCACCCG[C>CGGGGAGACGGTGT]GGGGAGACGGTGTCCACCCCACTGAGCAGGGAACAGGCACTGGACGTGCGCGACGCCTTC-3'

ClinVar aggregate classification (germline): Likely pathogenic (1 of 4 stars; one submission).

Submission:

CeGaT Center for Human Genetics Tuebingen
Classification: Likely pathogenic. Last evaluated: 2022-11-01. Review status: criteria provided, single submitter. Criteria: CeGaT Center For Human Genetics Tuebingen Variant Classification Criteria Version 2. Collection method: clinical testing. Allele origin: germline. Affected: yes. Observed: 1 variant allele.
Comment: MYO7A: PM2, PVS1:Moderate, PM3:Supporting, PS4:Supporting